The following is an entry in ClinVar:

NM_032444.4(SLX4):c.3762G>A (p.Ser1254=)

Gene: SLX4 (SLX4 structure-specific endonuclease subunit; minus strand). Cytogenetic location: 16p13.3.
Variant type: single nucleotide variant.
Coding change: c.3762G>A on transcript NM_032444.4 (MANE Select); coding-DNA position 3762, G replaced by A.
Protein change: p.Ser1254=; no amino-acid change (serine 1254 retained).
Molecular consequence: synonymous variant.
Genome position (GRCh38, 1-based): chr16:3,589,876, C>T on the plus strand (G>A on the coding strand, the complement: SLX4 is on the minus strand). VCF-style: chr16-3589876-C-T. GRCh37 (hg19) VCF-style: chr16-3639877-C-T.
Other names: c.3762G>A (LRG_503t1).
Identifiers: ClinVar variation 526436 (VCV000526436.30), dbSNP rs3810814, ClinGen allele CA7865843.
Genomic context (GRCh38, chr16:3,589,876, plus strand): 5'-TTGGGTCTGGGAAGAACAGTCACGGCTTCTGCTGGCCAGCGGGGTGGCGGGCACCAGCCA[C>T]GAGGTGTCTGTGGTGCTGGCCTCGCTGGGGCTGCTCTCACGGTCACAGAACAGCCAGGGA-3'
Protein context (NP_115820.2, residues 1244-1264): SPSEASTTDT[Ser1254=]WLVPATPLAS

ClinVar aggregate classification (germline): Benign/Likely benign. Review status: criteria provided, multiple submitters, no conflicts (2 of 4 stars). 5 submissions from 5 submitters: Benign (1); Likely benign (4). Last evaluated 2026-01-12.

Conditions:
Fanconi anemia complementation group P. Also called: SLX4-Related Fanconi Anemia. Identifiers: Orphanet 84, MedGen C3469542, MONDO:0013499, OMIM 613951.
Fanconi anemia (FA). Also called: Fanconi's anemia. Identifiers: Orphanet 84, MedGen C0015625, MeSH D005199, MONDO:0019391.

Allele frequency attached by ClinVar (database versions not stated): gnomAD 0.00007 and 0.00013; ESP Exome Variant Server 0.00008; TOPMed 0.00010; gnomAD exomes 0.00022 and 0.00034; ExAC 0.00037; 1000 Genomes Project 30x 0.00109; 1000 Genomes Project 0.00120.
gnomAD v4.1: 336 of 1,613,746 alleles (0.021%); highest among the groups gnomAD compares: East Asian, 0.67%; 4 homozygotes.

Submissions (5):

Labcorp Genetics (formerly Invitae), Labcorp
Classification: Benign for Fanconi anemia. Last evaluated: 2026-01-12. Review status: criteria provided, single submitter. Criteria: Invitae Variant Classification Sherloc (09022015). Collection method: clinical testing. Allele origin: germline.

CeGaT Center for Human Genetics Tuebingen
Classification: Likely benign. Last evaluated: 2025-02-01. Review status: criteria provided, single submitter. Criteria: CeGaT Center For Human Genetics Tuebingen Variant Classification Criteria Version 2. Collection method: clinical testing. Allele origin: germline. Affected: yes. Observed: 1 variant allele.
Comment: SLX4: BP4, BP7

Blueprint Genetics
Classification: Likely benign. Last evaluated: 2023-08-03. Review status: criteria provided, single submitter. Criteria: ACMG Guidelines, 2015. Collection method: clinical testing. Allele origin: germline.

Sema4
Classification: Likely benign for Fanconi anemia. Last evaluated: 2021-10-18. Review status: criteria provided, single submitter. Criteria: Sema4 Curation Guidelines. Collection method: curation. Allele origin: germline.

Illumina Laboratory Services, Illumina
Classification: Likely benign for Fanconi anemia complementation group P. Last evaluated: 2018-01-13. Review status: criteria provided, single submitter. Criteria: ICSL Variant Classification Criteria 13 December 2019. Collection method: clinical testing. Allele origin: germline.
Comment: This variant was observed in the ICSL laboratory as part of a predisposition screen in an ostensibly healthy population. It had not been previously curated by ICSL or reported in the Human Gene Mutation Database (HGMD: prior to June 1st, 2018), and was therefore a candidate for classification through an automated scoring system. Utilizing variant allele frequency, disease prevalence and penetrance estimates, and inheritance mode, an automated score was calculated to assess if this variant is too frequent to cause the disease. Based on the score and internal cut-off values, a variant classified as likely benign is not then subjected to further curation. The score for this variant resulted in a classification of likely benign for this disease.